The following is an entry in ClinVar:

NM_001621.5(AHR):c.908+5G>A

Gene: AHR (aryl hydrocarbon receptor; plus strand). Cytogenetic location: 7p21.1.
Variant type: single nucleotide variant.
Coding change: c.908+5G>A on transcript NM_001621.5 (MANE Select); 5 bases into the intron after coding-DNA position 908, G replaced by A.
Molecular consequence: intron variant.
Genome position (GRCh38, 1-based): chr7:17,334,119, G>A. VCF-style: chr7-17334119-G-A. GRCh37 (hg19) VCF-style: chr7-17373743-G-A.
Identifiers: ClinVar variation 1417717 (VCV001417717.6), dbSNP rs2115366438, ClinGen allele CA2573141322.

ClinVar aggregate classification (germline): Uncertain significance (1 of 4 stars; one submission).

Submission:

Labcorp Genetics (formerly Invitae), Labcorp
Classification: Uncertain significance. Last evaluated: 2021-03-28. Review status: criteria provided, single submitter. Criteria: Invitae Variant Classification Sherloc (09022015). Collection method: clinical testing. Allele origin: germline.
Comment: In summary, the available evidence is currently insufficient to determine the role of this variant in disease. Therefore, it has been classified as a Variant of Uncertain Significance. Nucleotide substitutions within the consensus splice site are a relatively common cause of aberrant splicing (PMID: 17576681, 9536098). Algorithms developed to predict the effect of sequence changes on RNA splicing suggest that this variant may disrupt the consensus splice site, but this prediction has not been confirmed by published transcriptional studies. This variant has not been reported in the literature in individuals with AHR-related conditions. This variant is not present in population databases (ExAC no frequency). This sequence change falls in intron 7 of the AHR gene. It does not directly change the encoded amino acid sequence of the AHR protein. It affects a nucleotide within the consensus splice site of the intron.

Literature cited by the submitters: PubMed 17576681; PubMed 9536098.